The following is an entry in ClinVar:

ClinVar aggregate classification (germline): Uncertain significance (1 of 4 stars; one submission).

Conditions:
Hereditary cancer-predisposing syndrome. Also called: Hereditary Cancer Syndrome; Hereditary neoplastic syndrome; Neoplastic Syndromes, Hereditary; Tumor predisposition. Identifiers: Orphanet 140162, MedGen C0027672, MeSH D009386, MONDO:0015356.

Submission:

Ambry Genetics
Classification: Uncertain significance for Hereditary cancer-predisposing syndrome. Last evaluated: 2021-10-06. Review status: criteria provided, single submitter. Criteria: Ambry Variant Classification Scheme 2023. Collection method: clinical testing. Allele origin: germline.
Comment: The p.L395I variant (also known as c.1183C>A), located in coding exon 8 of the FLCN gene, results from a C to A substitution at nucleotide position 1183. The leucine at codon 395 is replaced by isoleucine, an amino acid with highly similar properties. This amino acid position is highly conserved in available vertebrate species. In addition, this alteration is predicted to be deleterious by in silico analysis. Since supporting evidence is limited at this time, the clinical significance of this alteration remains unclear.

NM_144997.7(FLCN):c.1183C>A (p.Leu395Ile)

Gene: FLCN (folliculin; minus strand). Cytogenetic location: 17p11.2.
Variant type: single nucleotide variant.
Coding change: c.1183C>A on transcript NM_144997.7 (MANE Select); coding-DNA position 1183, C replaced by A.
Protein change: p.Leu395Ile; replaces leucine 395 with isoleucine.
Molecular consequence: missense variant.
Genome position (GRCh38, 1-based): chr17:17,216,497, G>T on the plus strand (C>A on the coding strand, the complement: FLCN is on the minus strand). VCF-style: chr17-17216497-G-T. GRCh37 (hg19) VCF-style: chr17-17119811-G-T.
Other names: c.1237C>A, p.Leu413Ile (NM_001353229.2); c.1183C>A, p.Leu395Ile (NM_001353230.2, NM_001353231.2); short protein forms L413I, L395I.
Identifiers: ClinVar variation 1742726 (VCV001742726.2), dbSNP rs2544164458, ClinGen allele CA398532006.